The following is an entry in ClinVar:

ClinVar aggregate classification (germline): Pathogenic (1 of 4 stars; one submission).

Conditions:
Eichsfeld type congenital muscular dystrophy (CMYO3). Also called: Rigid spine muscular dystrophy 1; MYOPATHY, SEPN1-RELATED; SELENON-related myopathy; Congenital myopathy 3 with rigid spine. Identifiers: MedGen C0410180, MONDO:0100100, OMIM 602771.

gnomAD v4.1: 1 of 1,611,236 alleles (0.000062%); highest among the groups gnomAD compares: Non-Finnish European, 0.000085%; no homozygotes.

Submission:

Clinical Omics and Informatics (COIN) Unit, Neuroscience Institute, University Of Cape Town
Classification: Pathogenic. Last evaluated: 2025-02-10. Review status: criteria provided, single submitter. Criteria: ACMG Guidelines, 2015. Collection method: research. Allele origin: germline. Inheritance: Autosomal recessive inheritance. Affected: yes. Observed: 1 variant allele, 1 compound heterozygote.
Comment: PM2_supporting: this variant is absent from gnomAD v2.1.1 and v3.1.2 (adequate coverage >20X confirmed) and an internal database of 1074 control alleles. PM3_supporting: this heterozygous variant occurs with another heterozygous pathogenic SELENON variant in this proband, although not confirmed in trans- 0.5 points. PVS1 met: null variant in a GT-AG splice site predicted to cause exon skipping or use of a cryptic splice site which disrupts the reading frame and is predicted to undergo NMD. The affected exon is present in a biologically-relevant transcript in a gene where LOF is a known mechanism of disease (PMID 32796131). Sequencing funded by the International Centre for Genomic Medicine in Neuromuscular Diseases (ICGNMD).

Literature cited by the submitters: PubMed 32796131.

NM_206926.2(SELENON):c.301+2T>C

Gene: SELENON (selenoprotein N; plus strand). Cytogenetic location: 1p36.11.
Variant type: single nucleotide variant.
Coding change: c.301+2T>C on transcript NM_206926.2 (MANE Select); the canonical splice donor site of the intron after coding-DNA position 301, T replaced by C.
Molecular consequence: splice donor variant.
Genome position (GRCh38, 1-based): chr1:25,801,162, T>C. VCF-style: chr1-25801162-T-C. GRCh37 (hg19) VCF-style: chr1-26127653-T-C.
Other names: c.301+2T>C (NM_020451.3).
Identifiers: ClinVar variation 3731302 (VCV003731302.2).